The following is an entry in ClinVar:

ClinVar aggregate classification (germline): Uncertain significance. Review status: reviewed by expert panel (3 of 4 stars). 6 submissions from 6 submitters: Uncertain significance (1). 5 of the submissions do not count toward it. Last evaluated 2026-06-23.

Conditions:
DICER1-related tumor predisposition. Also called: DICER1-related pleuropulmonary blastoma cancer predisposition syndrome; DICER1 syndrome. Identifiers: Orphanet 284343, MedGen C3839822, MONDO:0100216.
Global developmental delay - lung cysts - overgrowth - Wilms tumor syndrome. Also called: GLOW Syndrome; GLOBAL DEVELOPMENTAL DELAY, LUNG CYSTS, OVERGROWTH, AND WILMS TUMOR. Identifiers: Orphanet 404476, MedGen C4748924, MONDO:0018445, OMIM 618272.
Hereditary cancer-predisposing syndrome. Also called: Hereditary Cancer Syndrome; Hereditary neoplastic syndrome; Tumor predisposition; Neoplastic Syndromes, Hereditary. Identifiers: Orphanet 140162, MedGen C0027672, MeSH D009386, MONDO:0015356.

Allele frequency attached by ClinVar (database versions not stated): gnomAD exomes below 0.00001; TOPMed below 0.00001; ExAC 0.00001.
gnomAD v4.1: 4 of 1,614,058 alleles (0.00025%); highest among the groups gnomAD compares: Non-Finnish European, 0.00017%; no homozygotes.

Submissions (6):

ClinGen DICER1 and miRNA-Processing Gene Variant Curation Expert Panel, ClinGen
Classification: Uncertain significance for DICER1-related tumor predisposition. Last evaluated: 2026-06-23. Review status: reviewed by expert panel. Criteria: ClinGen DICER1 ACMG Specifications DICER1 V1.4.0. Collection method: curation. Allele origin: germline. Inheritance: Autosomal dominant inheritance.
Comment: The NM_177438.3:c.5173C>T variant in DICER1 is a missense variant predicted to replace arginine with tryptophan at codon 1725 (p.Arg1725Trp). Although this variant has been observed in individuals undergoing genetic sequencing, to our knowledge, this variant has not been reported in individuals with DICER1-related tumor predisposition (PS4 not met; Internal lab contributors). The total allele frequency in gnomAD v4.1.0 is 0.000002478 (4/1614058 alleles) with a highest population minor allele frequency of 0.00003124 (2/64024 alleles) in the European (Finnish) population and with multiple alleles present in the European (Finnish) and European (non-Finnish) population (PM2_Supporting, BS1, and BA1 are not met). In silico tools predict damaging impact of the variant on protein function (REVEL: 0.861) (PP3). This variant resides within the RNase IIIb domain (PM1_Supporting; PMID: 31342592). Another missense variant, c.5174G>A, p.Arg1725Gln, with Grantham score equal to or less than the current variant has been reported in the same codon (ClinVar Variation ID: 933037). However, this variant has not yet met the criteria to be classified as pathogenic by the ClinGen DICER1 VCEP (PM5 not met). In summary, this variant meets the criteria to be classified as Uncertain Significance for DICER1-related tumor predisposition based on the ACMG/AMP criteria applied, as specified by the ClinGen DICER1 VCEP: PP3, PM1_Supporting. (Bayesian Points: 2; VCEP specifications version 1.4.0; 06/23/2026)

Labcorp Genetics (formerly Invitae), Labcorp
Classification: Uncertain significance for DICER1-related tumor predisposition. Last evaluated: 2025-08-20. Review status: criteria provided, single submitter. Criteria: Invitae Variant Classification Sherloc (09022015). Collection method: clinical testing. Allele origin: germline. Not counted in ClinVar's aggregate classification.
Comment: This sequence change replaces arginine, which is basic and polar, with tryptophan, which is neutral and slightly polar, at codon 1725 of the DICER1 protein (p.Arg1725Trp). This variant is present in population databases (rs756827508, gnomAD 0.004%). This variant has not been reported in the literature in individuals affected with DICER1-related conditions. ClinVar contains an entry for this variant (Variation ID: 652143). Invitae Evidence Modeling of protein sequence and biophysical properties (such as structural, functional, and spatial information, amino acid conservation, physicochemical variation, residue mobility, and thermodynamic stability) indicates that this missense variant is not expected to disrupt DICER1 protein function with a negative predictive value of 95%. In summary, the available evidence is currently insufficient to determine the role of this variant in disease. Therefore, it has been classified as a Variant of Uncertain Significance.

Dasa
Classification: Uncertain significance. Last evaluated: 2025-04-09. Review status: criteria provided, single submitter. Criteria: DASA Assertion Criteria. Collection method: clinical testing. Allele origin: germline. Not counted in ClinVar's aggregate classification.
Comment: NM_177438.3(DICER1):c.5173C>T (p.Arg1725Trp) is a missense variant that results in the substitution of arginine with tryptophan. The affected residue or protein region has prior evidence supporting clinical relevance. This variant is rare in population databases. Computational prediction algorithms are consistent with a deleterious effect. The currently available literature and clinical evidence are not sufficient to establish a definitive association between this variant and the reported condition. Therefore, this variant is classified as a variant of uncertain significance.

Ambry Genetics
Classification: Uncertain significance for Hereditary cancer-predisposing syndrome. Last evaluated: 2024-08-29. Review status: criteria provided, single submitter. Criteria: Ambry Variant Classification Scheme 2023. Collection method: clinical testing. Allele origin: germline. Not counted in ClinVar's aggregate classification.
Comment: The p.R1725W variant (also known as c.5173C>T), located in coding exon 23 of the DICER1 gene, results from a C to T substitution at nucleotide position 5173. The arginine at codon 1725 is replaced by tryptophan, an amino acid with dissimilar properties. This amino acid position is highly conserved in available vertebrate species. In addition, this alteration is predicted to be deleterious by in silico analysis. Based on the available evidence, the clinical significance of this variant remains unclear.

Baylor Genetics
Classification: Uncertain significance for Global developmental delay - lung cysts - overgrowth - Wilms tumor syndrome. Last evaluated: 2023-08-13. Review status: criteria provided, single submitter. Criteria: ACMG Guidelines, 2015. Collection method: clinical testing. Allele origin: unknown. Not counted in ClinVar's aggregate classification.

GeneDx
Classification: Uncertain significance. Last evaluated: 2022-09-13. Review status: criteria provided, single submitter. Criteria: GeneDx Variant Classification Process June 2021. Collection method: clinical testing. Allele origin: germline. Affected: yes. Not counted in ClinVar's aggregate classification.
Comment: Not observed at significant frequency in large population cohorts (gnomAD); In silico analysis supports that this missense variant has a deleterious effect on protein structure/function; Has not been previously published as pathogenic or benign to our knowledge

NM_177438.3(DICER1):c.5173C>T (p.Arg1725Trp)

Gene: DICER1 (dicer 1, ribonuclease III; minus strand). Cytogenetic location: 14q32.13.
Variant type: single nucleotide variant.
Coding change: c.5173C>T on transcript NM_177438.3 (MANE Select); coding-DNA position 5173, C replaced by T.
Protein change: p.Arg1725Trp; replaces arginine 1725 with tryptophan.
Molecular consequence: missense variant.
Genome position (GRCh38, 1-based): chr14:95,094,079, G>A on the plus strand (C>T on the coding strand, the complement: DICER1 is on the minus strand). VCF-style: chr14-95094079-G-A. GRCh37 (hg19) VCF-style: chr14-95560416-G-A.
Other names: NM_177438.3(DICER1):c.5173C>T; p.Arg1725Trp; c.5173C>T, p.Arg1725Trp (NM_001195573.1, NM_001271282.3, NM_001291628.2 and 1 more transcripts); short protein forms R1725W.
Identifiers: ClinVar variation 652143 (VCV000652143.17), dbSNP rs756827508, ClinGen allele CA7330711.